The following is an entry in ClinVar:

ClinVar aggregate classification (germline): Uncertain significance (1 of 4 stars; one submission).

Conditions:
Charcot-Marie-Tooth disease type 2. Also called: Charcot-Marie-Tooth type 2. Identifiers: Orphanet 64746, MedGen C0270914, MONDO:0018993.

gnomAD v4.1: 1 of 1,614,108 alleles (0.000062%); highest among the groups gnomAD compares: Non-Finnish European, 0.000085%; no homozygotes.

Submission:

Labcorp Genetics (formerly Invitae), Labcorp
Classification: Uncertain significance for Charcot-Marie-Tooth disease type 2. Last evaluated: 2022-11-14. Review status: criteria provided, single submitter. Criteria: Invitae Variant Classification Sherloc (09022015). Collection method: clinical testing. Allele origin: germline.
Comment: In summary, the available evidence is currently insufficient to determine the role of this variant in disease. Therefore, it has been classified as a Variant of Uncertain Significance. This sequence change replaces glycine, which is neutral and non-polar, with arginine, which is basic and polar, at codon 724 of the AARS protein (p.Gly724Arg). This variant is not present in population databases (gnomAD no frequency). This variant has not been reported in the literature in individuals affected with AARS-related conditions. Advanced modeling of protein sequence and biophysical properties (such as structural, functional, and spatial information, amino acid conservation, physicochemical variation, residue mobility, and thermodynamic stability) performed at Invitae indicates that this missense variant is expected to disrupt AARS protein function. Algorithms developed to predict the effect of sequence changes on RNA splicing suggest that this variant may disrupt the consensus splice site.

NM_001605.3(AARS1):c.2170G>A (p.Gly724Arg)

Gene: AARS1 (alanyl-tRNA synthetase 1; minus strand). Cytogenetic location: 16q22.1.
Variant type: single nucleotide variant.
Coding change: c.2170G>A on transcript NM_001605.3 (MANE Select); coding-DNA position 2170, G replaced by A.
Protein change: p.Gly724Arg; replaces glycine 724 with arginine.
Molecular consequence: missense variant.
Genome position (GRCh38, 1-based): chr16:70,258,040, C>T on the plus strand (G>A on the coding strand, the complement: AARS1 is on the minus strand). VCF-style: chr16-70258040-C-T. GRCh37 (hg19) VCF-style: chr16-70291943-C-T.
Other names: short protein forms G724R.
Identifiers: ClinVar variation 3013895 (VCV003013895.3), dbSNP rs1191814735, ClinGen allele CA396557518.